The following is an entry in ClinVar:

ClinVar aggregate classification (germline): Likely benign. Review status: criteria provided, single submitter (1 of 4 stars). 2 submissions from 2 submitters: Likely benign (1). 1 of the submissions does not count toward it. Last evaluated 2024-11-11.

Conditions:
ELOVL5-related disorder. Also called: ELOVL5-related condition.

Allele frequency attached by ClinVar (database versions not stated): TOPMed 0.00017; gnomAD exomes 0.00038; gnomAD 0.00084; ExAC 0.00097.
gnomAD v4.1: 657 of 1,551,224 alleles (0.042%); highest among the groups gnomAD compares: Non-Finnish European, 0.024%; 3 homozygotes.

Submissions (2):

Blueprint Genetics
Classification: Likely benign. Last evaluated: 2024-11-11. Review status: criteria provided, single submitter. Criteria: ACMG Guidelines, 2015. Collection method: clinical testing. Allele origin: germline.

PreventionGenetics, part of Exact Sciences
Classification: Benign for ELOVL5-related condition. Last evaluated: 2019-09-06. Review status: no assertion criteria provided. Collection method: clinical testing. Allele origin: germline. Not counted in ClinVar's aggregate classification.
Comment: This variant is classified as benign based on ACMG/AMP sequence variant interpretation guidelines (Richards et al. 2015 PMID: 25741868, with internal and published modifications).

NM_021814.5(ELOVL5):c.58+1229A>G

Gene: ELOVL5 (ELOVL fatty acid elongase 5; minus strand). Cytogenetic location: 6p12.1.
Variant type: single nucleotide variant.
Coding change: c.58+1229A>G on transcript NM_021814.5 (MANE Select); 1229 bases into the intron after coding-DNA position 58, A replaced by G.
Molecular consequence: intron variant. On other transcripts: missense variant (1).
Genome position (GRCh38, 1-based): chr6:53,294,413, T>C on the plus strand (A>G on the coding strand, the complement: ELOVL5 is on the minus strand). VCF-style: chr6-53294413-T-C. GRCh37 (hg19) VCF-style: chr6-53159211-T-C.
Other names: c.137A>G, p.His46Arg (NM_001242831.2); c.58+1229A>G (NM_001242830.2, NM_001242828.2, NM_001301856.2); short protein forms H46R.
Identifiers: ClinVar variation 3053789 (VCV003053789.3), dbSNP rs766691434, ClinGen allele CA3859855.
Genomic context (GRCh38, chr6:53,294,413, plus strand): 5'-GAAACAACTTCTTTATGCTTAAAACCACACAAATGAAACATTTTTTCTTCTTCCTCTGAA[T>C]GTGCTGCTTGGAGCTGCTGTAGCCATCCTACAACTGTGTGAAGTGGGGGACCCATTCTGA-3'